The following is an entry in ClinVar:

NM_002335.4(LRP5):c.3934G>A (p.Asp1312Asn)

Gene: LRP5 (LDL receptor related protein 5; plus strand). Cytogenetic location: 11q13.2.
Variant type: single nucleotide variant.
Coding change: c.3934G>A on transcript NM_002335.4 (MANE Select); coding-DNA position 3934, G replaced by A.
Protein change: p.Asp1312Asn; replaces aspartic acid 1312 with asparagine.
Molecular consequence: missense variant.
Genome position (GRCh38, 1-based): chr11:68,433,772, G>A. VCF-style: chr11-68433772-G-A. GRCh37 (hg19) VCF-style: chr11-68201240-G-A.
Other names: c.2191G>A, p.Asp731Asn (NM_001291902.2); short protein forms D1312N, D731N.
Identifiers: ClinVar variation 3343846 (VCV003343846.1).

ClinVar aggregate classification (germline): Uncertain significance (1 of 4 stars; one submission).

gnomAD v4.1: 1 of 1,612,602 alleles (0.000062%); highest among the groups gnomAD compares: Non-Finnish European, 0.000085%; no homozygotes.

Submission:

GeneDx
Classification: Uncertain significance. Last evaluated: 2023-04-28. Review status: criteria provided, single submitter. Criteria: GeneDx Variant Classification Process June 2021. Collection method: clinical testing. Allele origin: germline. Affected: yes.
Comment: Not observed at significant frequency in large population cohorts (gnomAD); In silico analysis supports that this missense variant has a deleterious effect on protein structure/function; Has not been previously published as pathogenic or benign to our knowledge